The following is an entry in ClinVar:

NC_012920.1(MT-ND5):m.13726G>A

Gene: MT-ND5 (mitochondrially encoded NADH dehydrogenase 5; plus strand).
Variant type: single nucleotide variant.
Genome position: chrM-13726-G-A.
Identifiers: ClinVar variation 693595 (VCV000693595.1), dbSNP rs1603224322, ClinGen allele CA414819246.

ClinVar aggregate classification (germline): Uncertain significance (1 of 4 stars; one submission).

Conditions:
Leigh syndrome (NULS). Also called: Leigh's necrotizing encephalopathy; Leigh's disease; Leigh's syndrome; LEIGH SYNDROME, NUCLEAR; Leigh Syndrome (mtDNA deletion); Leigh Disease. Identifiers: Orphanet 506, MedGen C2931891, MONDO:0009723, OMIM 256000.

Submission:

Wong Mito Lab, Molecular and Human Genetics, Baylor College of Medicine
Classification: Uncertain significance for Leigh syndrome. Last evaluated: 2019-10-17. Review status: criteria provided, single submitter. Criteria: Modified ACMG Guidelines (Unpublished). Collection method: clinical testing. Allele origin: germline.
Comment: The NC_012920.1:m.13726G>A (YP_003024036.1:p.Ala464Thr) variant in MTND5 gene is interpretated to be a Uncertain Significance variant based on the modified ACMG guidelines (unpublished). This variant meets the following evidence codes: PP7, BP4